The following is an entry in ClinVar:

NM_144596.4(TTC8):c.250A>G (p.Ile84Val)

Gene: TTC8 (tetratricopeptide repeat domain 8; plus strand). Cytogenetic location: 14q31.3.
Variant type: single nucleotide variant.
Coding change: c.250A>G on transcript NM_144596.4 (MANE Select); coding-DNA position 250, A replaced by G.
Protein change: p.Ile84Val; replaces isoleucine 84 with valine.
Molecular consequence: missense variant. On other transcripts: 5 prime UTR variant (2), non-coding transcript variant (1).
Genome position (GRCh38, 1-based): chr14:88,839,557, A>G. VCF-style: chr14-88839557-A-G. GRCh37 (hg19) VCF-style: chr14-89305901-A-G.
Other names: c.220A>G, p.Ile74Val (NM_001288781.1, NM_001366535.2, NM_001366536.2 and 2 more transcripts); c.-343A>G (NM_001288782.1); c.-438A>G (NM_001288783.1); c.220A>G (NM_198309.2); short protein forms I74V, I84V.
Identifiers: ClinVar variation 1715240 (VCV001715240.6), dbSNP rs754944949, ClinGen allele CA7302395.

ClinVar aggregate classification (germline): Uncertain significance. Review status: criteria provided, multiple submitters, no conflicts (2 of 4 stars). 4 submissions from 4 submitters: Uncertain significance (4). Last evaluated 2025-09-01.

Conditions:
Inborn genetic diseases. Identifiers: MedGen C0950123, MeSH D030342.
Bardet-Biedl syndrome (BBS). Identifiers: Orphanet 110, MedGen C0752166, MONDO:0015229.
Retinal dystrophy. Also called: Inherited retinal dystrophy. Identifiers: Orphanet 71862, MedGen C0854723, MeSH D058499, MONDO:0019118, HP:0000556.

Allele frequency attached by ClinVar (database versions not stated): ExAC 0.00001; gnomAD exomes 0.00001; TOPMed 0.00001.
gnomAD v4.1: 7 of 1,613,240 alleles (0.00043%); highest among the groups gnomAD compares: East Asian, 0.0045%; no homozygotes.

Submissions (4):

Ambry Genetics
Classification: Uncertain significance for Inborn genetic diseases. Last evaluated: 2025-09-01. Review status: criteria provided, single submitter. Criteria: Ambry Variant Classification Scheme 2023. Collection method: clinical testing. Allele origin: germline.

Dept Of Ophthalmology, Nagoya University
Classification: Uncertain significance for Retinal dystrophy. Last evaluated: 2023-10-01. Review status: criteria provided, single submitter. Criteria: Submitter's publication. Collection method: research. Allele origin: germline. Affected: yes.

Blueprint Genetics
Classification: Uncertain significance. Last evaluated: 2023-08-17. Review status: criteria provided, single submitter. Criteria: ACMG Guidelines, 2015. Collection method: clinical testing. Allele origin: germline.

Labcorp Genetics (formerly Invitae), Labcorp
Classification: Uncertain significance for Bardet-Biedl syndrome. Last evaluated: 2022-08-05. Review status: criteria provided, single submitter. Criteria: Invitae Variant Classification Sherloc (09022015). Collection method: clinical testing. Allele origin: germline.
Comment: This sequence change replaces isoleucine, which is neutral and non-polar, with valine, which is neutral and non-polar, at codon 74 of the TTC8 protein (p.Ile74Val). In summary, the available evidence is currently insufficient to determine the role of this variant in disease. Therefore, it has been classified as a Variant of Uncertain Significance. Algorithms developed to predict the effect of missense changes on protein structure and function are either unavailable or do not agree on the potential impact of this missense change (SIFT: "Deleterious"; PolyPhen-2: "Benign"; Align-GVGD: "Class C0"). This variant has not been reported in the literature in individuals affected with TTC8-related conditions. This variant is present in population databases (rs754944949, gnomAD 0.006%).